The following is an entry in ClinVar:

NM_000152.5(GAA):c.1299G>C (p.Gln433His)

Gene: GAA (alpha glucosidase; plus strand). Cytogenetic location: 17q25.3.
Variant type: single nucleotide variant.
Coding change: c.1299G>C on transcript NM_000152.5 (MANE Select); coding-DNA position 1299, G replaced by C.
Protein change: p.Gln433His; replaces glutamine 433 with histidine.
Molecular consequence: missense variant.
Genome position (GRCh38, 1-based): chr17:80,108,801, G>C. VCF-style: chr17-80108801-G-C. GRCh37 (hg19) VCF-style: chr17-78082600-G-C.
Other names: c.1299G>C, p.Gln433His (NM_001079803.3, NM_001079804.3, NM_001406741.1 and 1 more transcripts); short protein forms Q433H.
Identifiers: ClinVar variation 4078713 (VCV004078713.2).

ClinVar aggregate classification (germline): Uncertain significance. Review status: criteria provided, multiple submitters, no conflicts (2 of 4 stars). 2 submissions from 2 submitters: Uncertain significance (2). Last evaluated 2026-07-01.

Conditions:
Glycogen storage disease, type II (IOPD). Also called: POMPE DISEASE, INFANTILE-ONSET; GLYCOGEN STORAGE DISEASE II, INFANTILE-ONSET; ACID ALPHA-GLUCOSIDASE DEFICIENCY, INFANTILE-ONSET; GAA DEFICIENCY, INFANTILE-ONSET; ACID MALTASE DEFICIENCY, INFANTILE-ONSET; Glucosidase acid-1,4-alpha deficiency. Identifiers: Orphanet 365, MedGen C0017921, MONDO:0009290, OMIM 232300.

Submissions (2):

Genomenon, Inc
Classification: Uncertain significance for Glycogen storage disease, type II. Last evaluated: 2026-07-01. Review status: criteria provided, single submitter. Criteria: Genomenon Sequence Variant Interpretation Standards - Updated. Collection method: curation. Allele origin: germline. Affected: yes.
Comment: GAA p.Gln433His (c.1299G>C) is a missense variant that changes the amino acid at codon 433 from Glutamine to Histidine. This variant has been observed in at least one proband with a GAA-related disorder (PMID:35071497). It is absent or not present at a significant frequency in gnomAD. In silico models predict that this variant is not damaging. In conclusion, we classify GAA p.Gln433His (c.1299G>C) as a variant of uncertain significance.

Revvity Omics, Revvity
Classification: Uncertain significance. Last evaluated: 2024-12-20. Review status: criteria provided, single submitter. Criteria: ACMG Guidelines, 2015. Collection method: clinical testing. Allele origin: germline.

Literature cited by the submitters: PubMed 35071497 (cited by Genomenon, Inc).